The following is an entry in ClinVar:

ClinVar aggregate classification (germline): Uncertain significance (1 of 4 stars; one submission).

Conditions:
Juvenile polyposis syndrome (JPS). Identifiers: Orphanet 2929, MedGen C0345893, MONDO:0017380, OMIM 174900.

Submission:

Labcorp Genetics (formerly Invitae), Labcorp
Classification: Uncertain significance for Juvenile polyposis syndrome. Last evaluated: 2025-01-27. Review status: criteria provided, single submitter. Criteria: Invitae Variant Classification Sherloc (09022015). Collection method: clinical testing. Allele origin: germline.
Comment: This sequence change replaces methionine, which is neutral and non-polar, with isoleucine, which is neutral and non-polar, at codon 331 of the SMAD4 protein (p.Met331Ile). This variant is not present in population databases (gnomAD no frequency). This variant has not been reported in the literature in individuals affected with SMAD4-related conditions. Invitae Evidence Modeling of protein sequence and biophysical properties (such as structural, functional, and spatial information, amino acid conservation, physicochemical variation, residue mobility, and thermodynamic stability) has been performed for this missense variant. However, the output from this modeling did not meet the statistical confidence thresholds required to predict the impact of this variant on SMAD4 protein function. In summary, the available evidence is currently insufficient to determine the role of this variant in disease. Therefore, it has been classified as a Variant of Uncertain Significance.

NM_005359.6(SMAD4):c.993G>C (p.Met331Ile)

Gene: SMAD4 (SMAD family member 4; plus strand). Cytogenetic location: 18q21.2.
Variant type: single nucleotide variant.
Coding change: c.993G>C on transcript NM_005359.6 (MANE Select); coding-DNA position 993, G replaced by C.
Protein change: p.Met331Ile; replaces methionine 331 with isoleucine.
Molecular consequence: missense variant. On other transcripts: non-coding transcript variant (2).
Genome position (GRCh38, 1-based): chr18:51,065,460, G>C. VCF-style: chr18-51065460-G-C. GRCh37 (hg19) VCF-style: chr18-48591830-G-C.
Other names: c.993G>C, p.Met331Ile (NM_001407041.1, NM_001407042.1, NM_001407043.1); short protein forms M331I.
Identifiers: ClinVar variation 3637570 (VCV003637570.2).